The following is an entry in ClinVar:

ClinVar aggregate classification (germline): Uncertain significance (1 of 4 stars; one submission).

Allele frequency attached by ClinVar (database versions not stated): gnomAD 0.00001; gnomAD exomes 0.00001; ExAC 0.00002.
gnomAD v4.1: 15 of 1,614,112 alleles (0.00093%); highest among the groups gnomAD compares: Non-Finnish European, 0.0011%; no homozygotes.

Submissions (2):

Labcorp Genetics (formerly Invitae), Labcorp
Classification: Uncertain significance. Last evaluated: 2025-04-28. Review status: criteria provided, single submitter. Criteria: Invitae Variant Classification Sherloc (09022015). Collection method: clinical testing. Allele origin: germline.
Comment: This sequence change replaces histidine, which is basic and polar, with leucine, which is neutral and non-polar, at codon 1825 of the NIN protein (p.His1825Leu). This variant is present in population databases (rs749221469, gnomAD 0.004%). This variant has not been reported in the literature in individuals affected with NIN-related conditions. ClinVar contains an entry for this variant (Variation ID: 2988017). An algorithm developed to predict the effect of missense changes on protein structure and function (PolyPhen-2) suggests that this variant is likely to be tolerated. Algorithms developed to predict the effect of sequence changes on RNA splicing suggest that this variant may disrupt the consensus splice site. In summary, the available evidence is currently insufficient to determine the role of this variant in disease. Therefore, it has been classified as a Variant of Uncertain Significance.

Dr. Peter K. Rogan Lab, Western University
No classification provided (evidence only). Condition: Familial cancer of breast. Review status: no classification provided. Collection method: in vitro. Allele origin: not applicable. Functional consequence: retained intron. Not counted in ClinVar's aggregate classification.

NM_020921.4(NIN):c.5474A>T (p.His1825Leu)

Gene: NIN (ninein; minus strand). Cytogenetic location: 14q22.1.
Variant type: single nucleotide variant.
Coding change: c.5474A>T on transcript NM_020921.4 (MANE Select); coding-DNA position 5474, A replaced by T.
Protein change: p.His1825Leu; replaces histidine 1825 with leucine.
Molecular consequence: missense variant.
Genome position (GRCh38, 1-based): chr14:50,739,462, T>A on the plus strand (A>T on the coding strand, the complement: NIN is on the minus strand). VCF-style: chr14-50739462-T-A. GRCh37 (hg19) VCF-style: chr14-51206180-T-A.
Other names: c.3335A>T, p.His1112Leu (NM_016350.5); c.5474A>T, p.His1825Leu (NM_182944.3, NM_182946.2); short protein forms H1825L, H1112L.
Identifiers: ClinVar variation 2988017 (VCV002988017.4), dbSNP rs749221469, ClinGen allele CA7181254.